The following is an entry in ClinVar:

NM_145239.3(PRRT2):c.612C>G (p.Pro204=)

Genes: MVP-DT (MVP divergent transcript; minus strand), PRRT2 (proline rich transmembrane protein 2; plus strand). Cytogenetic location: 16p11.2.
Variant type: single nucleotide variant.
Coding change: c.612C>G on transcript NM_145239.3 (MANE Select); coding-DNA position 612, C replaced by G.
Protein change: p.Pro204=; no amino-acid change (proline 204 retained).
Molecular consequence: synonymous variant.
Genome position (GRCh38, 1-based): chr16:29,813,666, C>G. VCF-style: chr16-29813666-C-G. GRCh37 (hg19) VCF-style: chr16-29824987-C-G.
Other names: p.P204P:CCC>CCG; p.Pro204=; c.612C>G, p.Pro204= (NM_001256442.2, NM_001256443.2).
Identifiers: ClinVar variation 138814 (VCV000138814.26), dbSNP rs149260055, ClinGen allele CA292919.

ClinVar aggregate classification (germline): Benign/Likely benign. Review status: criteria provided, multiple submitters, no conflicts (2 of 4 stars). 7 submissions from 7 submitters: Benign (2); Likely benign (5). Last evaluated 2026-01-15.

Conditions:
Episodic kinesigenic dyskinesia (EKD). Also called: Paroxysmal kinesigenic dyskinesia. Identifiers: Orphanet 98809, MedGen C1868682, MONDO:0044202.
Inborn genetic diseases. Identifiers: MedGen C0950123, MeSH D030342.

Allele frequency attached by ClinVar (database versions not stated): gnomAD exomes 0.00009 and 0.00030; ExAC 0.00035; ESP Exome Variant Server 0.00085; 1000 Genomes Project 30x 0.00094; 1000 Genomes Project 0.00100; gnomAD 0.00121 and 0.00129; TOPMed 0.00141.
gnomAD v4.1: 327 of 1,608,984 alleles (0.02%); highest among the groups gnomAD compares: African/African-American, 0.39%; 2 homozygotes.

Submissions (7):

Labcorp Genetics (formerly Invitae), Labcorp
Classification: Benign for Episodic kinesigenic dyskinesia. Last evaluated: 2026-01-15. Review status: criteria provided, single submitter. Criteria: Invitae Variant Classification Sherloc (09022015). Collection method: clinical testing. Allele origin: germline.

Mayo Clinic Laboratories, Mayo Clinic
Classification: Likely benign. Last evaluated: 2025-05-02. Review status: criteria provided, single submitter. Criteria: ACMG Guidelines, 2015. Collection method: clinical testing. Allele origin: germline. Observed: 2 variant alleles.
Comment: BS1, BP4, BP7

Blueprint Genetics
Classification: Likely benign. Last evaluated: 2024-10-22. Review status: criteria provided, single submitter. Criteria: ACMG Guidelines, 2015. Collection method: clinical testing. Allele origin: germline.

Ambry Genetics
Classification: Likely benign for Inborn genetic diseases. Last evaluated: 2017-05-25. Review status: criteria provided, single submitter. Criteria: Ambry Variant Classification Scheme 2023. Collection method: clinical testing. Allele origin: germline.

Eurofins Ntd Llc (ga)
Classification: Likely benign. Last evaluated: 2016-04-06. Review status: criteria provided, single submitter. Criteria: EGL Classification Definitions 2015. Collection method: clinical testing. Allele origin: germline. Observed: 1 variant allele, 1 heterozygote.

Genetic Services Laboratory, University of Chicago
Classification: Likely benign. Last evaluated: 2015-10-15. Review status: criteria provided, single submitter. Criteria: ACMG Guidelines, 2015. Collection method: clinical testing. Allele origin: germline. Affected: no.

GeneDx
Classification: Benign. Last evaluated: 2014-04-21. Review status: criteria provided, single submitter. Criteria: GeneDx Variant Classification (06012015). Collection method: clinical testing. Allele origin: germline. Affected: yes.
Comment: This variant is considered likely benign or benign based on one or more of the following criteria: it is a conservative change, it occurs at a poorly conserved position in the protein, it is predicted to be benign by multiple in silico algorithms, and/or has population frequency not consistent with disease.